The following is an entry in ClinVar:

NM_001079.4(ZAP70):c.1205T>C (p.Ile402Thr)

Gene: ZAP70 (zeta chain of T cell receptor associated protein kinase 70; plus strand). Cytogenetic location: 2q11.2.
Variant type: single nucleotide variant.
Coding change: c.1205T>C on transcript NM_001079.4 (MANE Select); coding-DNA position 1205, T replaced by C.
Protein change: p.Ile402Thr; replaces isoleucine 402 with threonine.
Molecular consequence: missense variant.
Genome position (GRCh38, 1-based): chr2:97,735,372, T>C. VCF-style: chr2-97735372-T-C. GRCh37 (hg19) VCF-style: chr2-98351835-T-C.
Other names: c.1205T>C, p.Ile402Thr (NM_001378594.1); c.284T>C, p.Ile95Thr (NM_207519.2); short protein forms I402T, I95T.
Identifiers: ClinVar variation 3603275 (VCV003603275.1).

ClinVar aggregate classification (germline): Uncertain significance (1 of 4 stars; one submission).

Conditions:
Combined immunodeficiency due to ZAP70 deficiency (IMD48). Also called: Immunodeficiency 48; ZAP70 Deficiency. Identifiers: Orphanet 911, MedGen C2931299, MONDO:0010023, OMIM 269840.

gnomAD v4.1: 4 of 1,613,994 alleles (0.00025%); highest among the groups gnomAD compares: Non-Finnish European, 0.00025%; no homozygotes.

Submission:

Neuberg Centre For Genomic Medicine, NCGM
Classification: Uncertain significance for Combined immunodeficiency due to ZAP70 deficiency. Last evaluated: 2023-06-22. Review status: criteria provided, single submitter. Criteria: ACMG Guidelines, 2015. Collection method: clinical testing. Allele origin: germline. Inheritance: Autosomal recessive inheritance. Affected: yes.
Comment: The observed missense c.1205T>C (p.Ile402Thr) variant in ZAP70 gene has not been reported previously as a pathogenic variant nor as a benign variant, to our knowledge. The p.Ile402Thr variant is absent in gnomAD Exomes. This variant has not been submitted to the ClinVar database. Multiple lines of computational evidence (Polyphen - possibly damaging, SIFT – Damaging and Mutation Taster - Disease causing) predict a damaging effect on protein structure and function for this variant. The reference amino acid at this position on ZAP70 gene is predicted as conserved by GERP++ and PhyloP across 100 vertebrates. The amino acid Ile at position 402 is changed to a Thr changing protein sequence and it might alter its composition and physico-chemical properties. For these reasons, this variant has been classified as Variant of Uncertain Significance (VUS).